The following is an entry in ClinVar:

NM_000540.3(RYR1):c.7943A>G (p.Tyr2648Cys)

Gene: RYR1 (ryanodine receptor 1; plus strand). Cytogenetic location: 19q13.2.
Variant type: single nucleotide variant.
Coding change: c.7943A>G on transcript NM_000540.3 (MANE Select); coding-DNA position 7943, A replaced by G.
Protein change: p.Tyr2648Cys; replaces tyrosine 2648 with cysteine.
Molecular consequence: missense variant.
Genome position (GRCh38, 1-based): chr19:38,504,236, A>G. VCF-style: chr19-38504236-A-G. GRCh37 (hg19) VCF-style: chr19-38994876-A-G.
Other names: c.7943A>G, p.Tyr2648Cys (NM_001042723.2); short protein forms Y2648C.
Identifiers: ClinVar variation 2180908 (VCV002180908.3), dbSNP rs2514351129, ClinGen allele CA405675451.

ClinVar aggregate classification (germline): Uncertain significance. Review status: criteria provided, multiple submitters, no conflicts (2 of 4 stars). 3 submissions from 3 submitters: Uncertain significance (3). Last evaluated 2026-08-07.

Conditions:
RYR1-related disorder. Also called: RYR1-related disorders; RYR1-related condition. Identifiers: MedGen CN239331.

Submissions (3):

GeneDx
Classification: Uncertain significance. Last evaluated: 2026-08-07. Review status: criteria provided, single submitter. Criteria: GeneDx Variant Classification Process June 2021. Collection method: clinical testing. Allele origin: germline.
Comment: Not observed at significant frequency in large population cohorts (gnomAD); In silico analysis supports that this missense variant has a deleterious effect on protein structure/function; Has not been previously published as pathogenic or benign to our knowledge

Blueprint Genetics
Classification: Uncertain significance. Last evaluated: 2023-03-09. Review status: criteria provided, single submitter. Criteria: ACMG Guidelines, 2015. Collection method: clinical testing. Allele origin: germline.

Labcorp Genetics (formerly Invitae), Labcorp
Classification: Uncertain significance for RYR1-related disorder. Last evaluated: 2022-07-27. Review status: criteria provided, single submitter. Criteria: Invitae Variant Classification Sherloc (09022015). Collection method: clinical testing. Allele origin: germline.
Comment: This sequence change replaces tyrosine, which is neutral and polar, with cysteine, which is neutral and slightly polar, at codon 2648 of the RYR1 protein (p.Tyr2648Cys). This variant is not present in population databases (gnomAD no frequency). This variant has not been reported in the literature in individuals affected with RYR1-related conditions. Advanced modeling of protein sequence and biophysical properties (such as structural, functional, and spatial information, amino acid conservation, physicochemical variation, residue mobility, and thermodynamic stability) performed at Invitae indicates that this missense variant is expected to disrupt RYR1 protein function. In summary, the available evidence is currently insufficient to determine the role of this variant in disease. Therefore, it has been classified as a Variant of Uncertain Significance.